The following is an entry in ClinVar:

NM_001844.5(COL2A1):c.870+5G>C

Gene: COL2A1 (collagen type II alpha 1 chain; minus strand). Cytogenetic location: 12q13.11.
Variant type: single nucleotide variant.
Coding change: c.870+5G>C on transcript NM_001844.5 (MANE Select); 5 bases into the intron after coding-DNA position 870, G replaced by C.
Molecular consequence: intron variant.
Genome position (GRCh38, 1-based): chr12:47,993,989, C>G on the plus strand (G>C on the coding strand, the complement: COL2A1 is on the minus strand). VCF-style: chr12-47993989-C-G. GRCh37 (hg19) VCF-style: chr12-48387772-C-G.
Other names: c.663+5G>C (NM_033150.3).
Identifiers: ClinVar variation 4710643 (VCV004710643.1).

ClinVar aggregate classification (germline): Uncertain significance (1 of 4 stars; one submission).

Submission:

Labcorp Genetics (formerly Invitae), Labcorp
Classification: Uncertain significance. Last evaluated: 2025-04-13. Review status: criteria provided, single submitter. Criteria: Invitae Variant Classification Sherloc (09022015). Collection method: clinical testing. Allele origin: germline.
Comment: This sequence change falls in intron 13 of the COL2A1 gene. It does not directly change the encoded amino acid sequence of the COL2A1 protein. It affects a nucleotide within the consensus splice site. This variant is not present in population databases (gnomAD no frequency). This variant has been observed in individual(s) with clinical features of autosomal dominant COL2A1-related conditions (internal data). Variants that disrupt the consensus splice site are a relatively common cause of aberrant splicing (PMID: 17576681, 9536098). Algorithms developed to predict the effect of sequence changes on RNA splicing suggest that this variant may disrupt the consensus splice site. In summary, the available evidence is currently insufficient to determine the role of this variant in disease. Therefore, it has been classified as a Variant of Uncertain Significance.

Literature cited by the submitters: PubMed 17576681; PubMed 9536098.